The following is an entry in ClinVar:

NM_020738.4(KIDINS220):c.4798C>A (p.His1600Asn)

Gene: KIDINS220 (kinase D interacting substrate 220; minus strand). Cytogenetic location: 2p25.1.
Variant type: single nucleotide variant.
Coding change: c.4798C>A on transcript NM_020738.4 (MANE Select); coding-DNA position 4798, C replaced by A.
Protein change: p.His1600Asn; replaces histidine 1600 with asparagine.
Molecular consequence: missense variant. On other transcripts: intron variant (6).
Genome position (GRCh38, 1-based): chr2:8,731,238, G>T on the plus strand (C>A on the coding strand, the complement: KIDINS220 is on the minus strand). VCF-style: chr2-8731238-G-T. GRCh37 (hg19) VCF-style: chr2-8871368-G-T.
Other names: c.4801C>A, p.His1601Asn (NM_001348729.2); c.4744C>A, p.His1582Asn (NM_001348731.2); c.4741C>A, p.His1581Asn (NM_001348732.2); c.4630C>A, p.His1544Asn (NM_001348734.2); c.4627C>A, p.His1543Asn (NM_001348735.2); c.4501C>A, p.His1501Asn (NM_001348736.2); c.3882+2206C>A (NM_001348741.2, NM_001348742.2, NM_001348743.2); c.3996+2206C>A (NM_001348738.2); and 1 more; short protein forms H1544N, H1501N, H1543N, H1582N, H1601N, H1600N, H1581N.
Identifiers: ClinVar variation 1963644 (VCV001963644.5), dbSNP rs2527396717, ClinGen allele CA345762805.

ClinVar aggregate classification (germline): Uncertain significance (1 of 4 stars; one submission).

Allele frequency attached by ClinVar (database versions not stated): gnomAD exomes below 0.00001.
gnomAD v4.1: 1 of 1,614,098 alleles (0.000062%); highest among the groups gnomAD compares: Non-Finnish European, 0.000085%; no homozygotes.

Submission:

Labcorp Genetics (formerly Invitae), Labcorp
Classification: Uncertain significance. Last evaluated: 2023-01-18. Review status: criteria provided, single submitter. Criteria: Invitae Variant Classification Sherloc (09022015). Collection method: clinical testing. Allele origin: germline.
Comment: This sequence change replaces histidine, which is basic and polar, with asparagine, which is neutral and polar, at codon 1600 of the KIDINS220 protein (p.His1600Asn). This variant is not present in population databases (gnomAD no frequency). This variant has not been reported in the literature in individuals affected with KIDINS220-related conditions. Algorithms developed to predict the effect of missense changes on protein structure and function (SIFT, PolyPhen-2, Align-GVGD) all suggest that this variant is likely to be tolerated. In summary, the available evidence is currently insufficient to determine the role of this variant in disease. Therefore, it has been classified as a Variant of Uncertain Significance.